The following is an entry in ClinVar:

ClinVar aggregate classification (germline): Uncertain significance (1 of 4 stars; one submission).

Conditions:
Gastrointestinal stromal tumor. Also called: Gastrointestinal stromal tumor, somatic; Gastrointestinal stroma tumor. Identifiers: Orphanet 44890, MedGen C0238198, MeSH D046152, MONDO:0011719, OMIM 606764, HP:0100723.

Submission:

Labcorp Genetics (formerly Invitae), Labcorp
Classification: Uncertain significance for Gastrointestinal stromal tumor. Last evaluated: 2023-02-23. Review status: criteria provided, single submitter. Criteria: Invitae Variant Classification Sherloc (09022015). Collection method: clinical testing. Allele origin: germline.
Comment: In summary, the available evidence is currently insufficient to determine the role of this variant in disease. Therefore, it has been classified as a Variant of Uncertain Significance. An algorithm developed to predict the effect of missense changes on protein structure and function (PolyPhen-2) suggests that this variant is likely to be disruptive. ClinVar contains an entry for this variant (Variation ID: 942937). This variant has not been reported in the literature in individuals affected with KIT-related conditions. This variant is not present in population databases (gnomAD no frequency). This sequence change replaces leucine, which is neutral and non-polar, with valine, which is neutral and non-polar, at codon 305 of the KIT protein (p.Leu305Val).

NM_000222.3(KIT):c.913T>G (p.Leu305Val)

Gene: KIT (KIT proto-oncogene, receptor tyrosine kinase; plus strand). Cytogenetic location: 4q12.
Variant type: single nucleotide variant.
Coding change: c.913T>G on transcript NM_000222.3 (MANE Select); coding-DNA position 913, T replaced by G.
Protein change: p.Leu305Val; replaces leucine 305 with valine.
Molecular consequence: missense variant.
Genome position (GRCh38, 1-based): chr4:54,703,880, T>G. VCF-style: chr4-54703880-T-G. GRCh37 (hg19) VCF-style: chr4-55570046-T-G.
Other names: c.913T>G, p.Leu305Val (NM_001093772.2, NM_001385285.1, NM_001385286.1); c.916T>G, p.Leu306Val (NM_001385284.1, NM_001385288.1, NM_001385290.1 and 1 more transcripts); short protein forms L305V, L306V.
Identifiers: ClinVar variation 942937 (VCV000942937.10), dbSNP rs1720615266, ClinGen allele CA356900161.